The following is an entry in ClinVar:

ClinVar aggregate classification (germline): Uncertain significance. Review status: criteria provided, multiple submitters, no conflicts (2 of 4 stars). 2 submissions from 2 submitters: Uncertain significance (2). Last evaluated 2025-08-01.

Conditions:
Inborn genetic diseases. Identifiers: MedGen C0950123, MeSH D030342.

Allele frequency attached by ClinVar (database versions not stated): gnomAD 0.00002.
gnomAD v4.1: 12 of 989,988 alleles (0.0012%); highest among the groups gnomAD compares: Admixed American, 0.019%; 1 homozygote.

Submissions (2):

Labcorp Genetics (formerly Invitae), Labcorp
Classification: Uncertain significance. Last evaluated: 2025-08-01. Review status: criteria provided, single submitter. Criteria: Invitae Variant Classification Sherloc (09022015). Collection method: clinical testing. Allele origin: germline.
Comment: This sequence change replaces alanine, which is neutral and non-polar, with valine, which is neutral and non-polar, at codon 27 of the KMT2B protein (p.Ala27Val). The frequency data for this variant in the population databases is considered unreliable, as metrics indicate insufficient coverage at this position in the gnomAD database. This variant has not been reported in the literature in individuals affected with KMT2B-related conditions. ClinVar contains an entry for this variant (Variation ID: 1935317). Invitae Evidence Modeling of protein sequence and biophysical properties (such as structural, functional, and spatial information, amino acid conservation, physicochemical variation, residue mobility, and thermodynamic stability) has been performed for this missense variant. However, the output from this modeling did not meet the statistical confidence thresholds required to predict the impact of this variant on KMT2B protein function. In summary, the available evidence is currently insufficient to determine the role of this variant in disease. Therefore, it has been classified as a Variant of Uncertain Significance.

Ambry Genetics
Classification: Uncertain significance for Inborn genetic diseases. Last evaluated: 2025-03-21. Review status: criteria provided, single submitter. Criteria: Ambry Variant Classification Scheme 2023. Collection method: clinical testing. Allele origin: germline.

NM_014727.3(KMT2B):c.80C>T (p.Ala27Val)

Genes: KMT2B (lysine methyltransferase 2B; plus strand), LOC130064257 (ATAC-STARR-seq lymphoblastoid silent region 10534; plus strand). Cytogenetic location: 19q13.12.
Variant type: single nucleotide variant.
Coding change: c.80C>T on transcript NM_014727.3 (MANE Select); coding-DNA position 80, C replaced by T.
Protein change: p.Ala27Val; replaces alanine 27 with valine.
Molecular consequence: missense variant.
Genome position (GRCh38, 1-based): chr19:35,718,098, C>T. VCF-style: chr19-35718098-C-T. GRCh37 (hg19) VCF-style: chr19-36209000-C-T.
Other names: c.80C>T (NM_014727.1); short protein forms A27V.
Identifiers: ClinVar variation 1935317 (VCV001935317.6), dbSNP rs1438706284, ClinGen allele CA405374295.
Genomic context (GRCh38, chr19:35,718,098, plus strand): 5'-GCGGCAGTTGCCCCGGGCCTGGCTCCGCGCGGGGCCGCTTCCCGGGCCGGCCGCGGGGCG[C>T]CGGCGGGGGCGGGGGCCGCGGCGGACGGGGCAACGGGGCCGAAAGAGTGCGGGTAGCTCT-3'
Protein context (NP_055542.1, residues 17-37): RGRFPGRPRG[Ala27Val]GGGGGRGGRG